The following is an entry in ClinVar:

ClinVar aggregate classification (germline): Uncertain significance (1 of 4 stars; one submission).

Allele frequency attached by ClinVar (database versions not stated): gnomAD exomes below 0.00001.
gnomAD v4.1: 1 of 1,198,560 alleles (0.000083%); highest among the groups gnomAD compares: Non-Finnish European, 0.00011%; no homozygotes.

Submission:

GeneDx
Classification: Uncertain significance. Last evaluated: 2021-12-03. Review status: criteria provided, single submitter. Criteria: GeneDx Variant Classification Process June 2021. Collection method: clinical testing. Allele origin: germline. Affected: yes.
Comment: Not observed at significant frequency in large population cohorts (Lek et al., 2016); In silico analysis supports that this missense variant has a deleterious effect on protein structure/function; Has not been previously published as pathogenic or benign to our knowledge

NM_007325.5(GRIA3):c.913T>C (p.Tyr305His)

Gene: GRIA3 (glutamate ionotropic receptor AMPA type subunit 3; plus strand). Cytogenetic location: Xq25.
Variant type: single nucleotide variant.
Coding change: c.913T>C on transcript NM_007325.5 (MANE Select); coding-DNA position 913, T replaced by C.
Protein change: p.Tyr305His; replaces tyrosine 305 with histidine.
Molecular consequence: missense variant.
Genome position (GRCh38, 1-based): chrX:123,398,636, T>C. VCF-style: chrX-123398636-T-C. GRCh37 (hg19) VCF-style: chrX-122532487-T-C.
Other names: c.913T>C, p.Tyr305His (NM_000828.5); short protein forms Y305H.
Identifiers: ClinVar variation 1327826 (VCV001327826.2), dbSNP rs2147381056, ClinGen allele CA414257967.